The following is an entry in ClinVar:

NM_001378454.1(ALMS1):c.7406A>G (p.Glu2469Gly)

Gene: ALMS1 (ALMS1 centrosome and basal body associated protein; plus strand). Cytogenetic location: 2p13.1.
Variant type: single nucleotide variant.
Coding change: c.7406A>G on transcript NM_001378454.1 (MANE Select); coding-DNA position 7406, A replaced by G.
Protein change: p.Glu2469Gly; replaces glutamic acid 2469 with glycine.
Molecular consequence: missense variant.
Genome position (GRCh38, 1-based): chr2:73,453,933, A>G. VCF-style: chr2-73453933-A-G. GRCh37 (hg19) VCF-style: chr2-73681060-A-G.
Other names: c.7409A>G, p.Glu2470Gly (NM_015120.4); short protein forms E2470G, E2469G.
Identifiers: ClinVar variation 2193662 (VCV002193662.1), dbSNP rs773994083, ClinGen allele CA1714229.

ClinVar aggregate classification (germline): Uncertain significance (1 of 4 stars; one submission).

Conditions:
Alstrom syndrome (ALMS). Identifiers: Orphanet 64, MedGen C0268425, MONDO:0008763, OMIM 203800.

Allele frequency attached by ClinVar (database versions not stated): TOPMed below 0.00001; ExAC 0.00001; gnomAD 0.00001.
gnomAD v4.1: 1 of 1,613,936 alleles (0.000062%); highest among the groups gnomAD compares: Non-Finnish European, 0.000085%; no homozygotes.

Submission:

Labcorp Genetics (formerly Invitae), Labcorp
Classification: Uncertain significance for Alstrom syndrome. Last evaluated: 2022-07-20. Review status: criteria provided, single submitter. Criteria: Invitae Variant Classification Sherloc (09022015). Collection method: clinical testing. Allele origin: germline.
Comment: This sequence change replaces glutamic acid, which is acidic and polar, with glycine, which is neutral and non-polar, at codon 2470 of the ALMS1 protein (p.Glu2470Gly). This variant is present in population databases (rs773994083, gnomAD 0.003%). This variant has not been reported in the literature in individuals affected with ALMS1-related conditions. Experimental studies and prediction algorithms are not available or were not evaluated, and the functional significance of this variant is currently unknown. In summary, the available evidence is currently insufficient to determine the role of this variant in disease. Therefore, it has been classified as a Variant of Uncertain Significance.